The following is an entry in ClinVar:

ClinVar aggregate classification (germline): Uncertain significance (1 of 4 stars; one submission).

Submission:

GeneDx
Classification: Uncertain significance. Last evaluated: 2017-08-14. Review status: criteria provided, single submitter. Criteria: GeneDx Variant Classification (06012015). Collection method: clinical testing. Allele origin: germline. Affected: yes.
Comment: The S205L variant in the CCDC22 gene has not been reported previously as a pathogenic variant, nor as a benign variant, to our knowledge. The S205L variant is not observed in large population cohorts (Lek et al., 2016; 1000 Genomes Consortium et al., 2015; Exome Variant Server). The S205L variant is a non-conservative amino acid substitution, which is likely to impact secondary protein structure as these residues differ in polarity, charge, size and/or other properties. This substitution occurs at a position that is conserved across species. In silico analysis predicts this variant is probably damaging to the protein structure/function. We interpret S205L as a variant of uncertain significance.

NM_014008.5(CCDC22):c.614C>T (p.Ser205Leu)

Gene: CCDC22 (coiled-coil domain containing 22; plus strand). Cytogenetic location: Xp11.23.
Variant type: single nucleotide variant.
Coding change: c.614C>T on transcript NM_014008.5 (MANE Select); coding-DNA position 614, C replaced by T.
Protein change: p.Ser205Leu; replaces serine 205 with leucine.
Molecular consequence: missense variant.
Genome position (GRCh38, 1-based): chrX:49,243,362, C>T. VCF-style: chrX-49243362-C-T. GRCh37 (hg19) VCF-style: chrX-49099828-C-T.
Other names: short protein forms S205L.
Identifiers: ClinVar variation 451185 (VCV000451185.2), dbSNP rs1557113712, ClinGen allele CA412935072.